The following is an entry in ClinVar:

NM_001128159.3(VPS53):c.676del (p.Gln226fs)

Gene: VPS53 (VPS53 subunit of GARP complex; minus strand). Cytogenetic location: 17p13.3.
Variant type: Deletion.
Coding change: c.676del on transcript NM_001128159.3 (MANE Select); coding-DNA position 676, one base deleted (C; older notation c.676delC).
Protein change: p.Gln226fs; shifts the reading frame from glutamine 226.
Molecular consequence: frameshift variant.
Genome position (GRCh38, 1-based): chr17:631,561, G deleted on the plus strand (C on the coding strand, the reverse complement: VPS53 is on the minus strand); the first of 3 consecutive G bases (chr17:631,561-631,563); deleting any one gives the same sequence. VCF-style (leftmost placement, unchanged base first): chr17-631560-TG-T. GRCh37 (hg19) VCF-style: chr17-534800-TG-T.
Other names: c.676del, p.Gln226fs (NM_001366253.2); c.82del, p.Gln28fs (NM_001366254.2); c.589del, p.Gln197fs (NM_018289.4); short protein forms Q197fs, Q226fs, Q28fs.
Identifiers: ClinVar variation 5014700 (VCV005014700.1).

ClinVar aggregate classification (germline): Pathogenic (1 of 4 stars; one submission).

Conditions:
Pontocerebellar hypoplasia type 2E. Identifiers: Orphanet 247198, MedGen C4014488, MONDO:0014370, OMIM 615851.

Submission:

Myriad Genetics, Inc.
Classification: Pathogenic for Pontocerebellar hypoplasia type 2E. Last evaluated: 2025-07-07. Review status: criteria provided, single submitter. Criteria: Myriad Autosomal Dominant, Autosomal Recessive and X-Linked Classification Criteria (2023). Collection method: clinical testing. Allele origin: unknown.
Comment: NM_001128159.2(VPS53):c.676delC(Q226Rfs*23) is expected to be pathogenic in the context of pontocerebellar hypoplasia, VPS53-related. This variant is predicted to lead to an abnormal or absent protein product due to the creation of a premature termination codon in VPS53, a gene where loss-of-function variants are known to be pathogenic. Please note: this variant was assessed in the context of healthy population screening.